The following is an entry in ClinVar:

NM_001148.6(ANK2):c.10739T>C (p.Leu3580Pro)

Gene: ANK2 (ankyrin 2; plus strand). Cytogenetic location: 4q26.
Variant type: single nucleotide variant.
Coding change: c.10739T>C on transcript NM_001148.6 (MANE Select); coding-DNA position 10739, T replaced by C.
Protein change: p.Leu3580Pro; replaces leucine 3580 with proline.
Molecular consequence: missense variant.
Genome position (GRCh38, 1-based): chr4:113,360,880, T>C. VCF-style: chr4-113360880-T-C. GRCh37 (hg19) VCF-style: chr4-114282036-T-C.
Other names: c.4457T>C, p.Leu1486Pro (NM_001127493.3); c.4496T>C, p.Leu1499Pro (NM_001354225.2); c.4385T>C, p.Leu1462Pro (NM_001354228.2, NM_001354258.2); c.4463T>C, p.Leu1488Pro (NM_001354230.2); c.4526T>C, p.Leu1509Pro (NM_001354231.2, NM_001354242.2); c.4520T>C, p.Leu1507Pro (NM_001354232.2); c.4481T>C, p.Leu1494Pro (NM_001354235.2, NM_001354246.2, NM_001354265.2); c.4382T>C, p.Leu1461Pro (NM_001354236.2); and 35 more; short protein forms L1334P, L1367P, L1395P, L1400P, L1408P, L1417P, L1420P, L1422P.
Identifiers: ClinVar variation 3338731 (VCV003338731.1).
Genomic context (GRCh38, chr4:113,360,880, plus strand): 5'-CAGATCCACAGGATGAGCAGGAACGGATCGAGGAAAGGCTGGCTTATATTGCTGATCACC[T>C]TGGCTTCAGCTGGACAGGTAAAAAGAATGTGACCCAGGTTTTCAACAAAACCTGACATAG-3'
Protein context (NP_001139.3, residues 3570-3590): EERLAYIADH[Leu3580Pro]GFSWTELARE

ClinVar aggregate classification (germline): Likely pathogenic (1 of 4 stars; one submission).

Submission:

GeneDx
Classification: Likely pathogenic. Last evaluated: 2023-08-09. Review status: criteria provided, single submitter. Criteria: GeneDx Variant Classification Process June 2021. Collection method: clinical testing. Allele origin: germline. Affected: yes.
Comment: Not observed at significant frequency in large population cohorts (gnomAD); In silico analysis supports that this missense variant has a deleterious effect on protein structure/function; Has not been previously published as pathogenic or benign to our knowledge